The following is an entry in ClinVar:

ClinVar aggregate classification (germline): Benign/Likely benign. Review status: criteria provided, multiple submitters, no conflicts (2 of 4 stars). 11 submissions from 11 submitters: Benign (2); Likely benign (7). 2 of the submissions do not count toward it. Last evaluated 2026-02-20.

Conditions:
APC-related disorder. Also called: APC-related condition.
Classic or attenuated familial adenomatous polyposis. Identifiers: MedGen CN372698, MONDO:0021057.
Hereditary cancer-predisposing syndrome. Also called: Neoplastic Syndromes, Hereditary; Tumor predisposition; Hereditary Cancer Syndrome; Hereditary neoplastic syndrome. Identifiers: Orphanet 140162, MedGen C0027672, MeSH D009386, MONDO:0015356.
Familial adenomatous polyposis 1 (FAP1). Also called: FAMILIAL ADENOMATOUS POLYPOSIS 1, ATTENUATED; POLYPOSIS, ADENOMATOUS INTESTINAL. Identifiers: MedGen C2713442, MONDO:0021056, OMIM 175100. Disease mechanism: loss of function.

Allele frequency attached by ClinVar (database versions not stated): ExAC 0.00002; TOPMed 0.00002; gnomAD 0.00003 and 0.00004; gnomAD exomes 0.00003 and 0.00004.
gnomAD v4.1: 65 of 1,612,940 alleles (0.004%); highest among the groups gnomAD compares: Admixed American, 0.01%; no homozygotes.

Submissions (11):

PreventionGenetics, part of Exact Sciences
Classification: Likely benign for APC-related condition. Last evaluated: 2026-02-20. Review status: criteria provided, single submitter. Criteria: ACMG Guidelines, 2015. Collection method: clinical testing. Allele origin: germline.
Comment: This variant is classified as likely benign based on ACMG/AMP sequence variant interpretation guidelines (Richards et al. 2015 PMID: 25741868, with internal and published modifications).

Labcorp Genetics (formerly Invitae), Labcorp
Classification: Likely benign for Familial adenomatous polyposis 1. Last evaluated: 2025-12-17. Review status: criteria provided, single submitter. Criteria: Invitae Variant Classification Sherloc (09022015). Collection method: clinical testing. Allele origin: germline.

All of Us Research Program, National Institutes of Health
Classification: Likely benign for Classic or attenuated familial adenomatous polyposis. Last evaluated: 2023-12-13. Review status: criteria provided, single submitter. Criteria: ACMG Guidelines, 2015. Collection method: clinical testing. Allele origin: germline. Inheritance: Autosomal dominant inheritance. Observed: 8 variant alleles, 8 heterozygotes.
Comment: This study involves interpretation of variants in research participants for the purpose of population health screening. Participant phenotype was not available at the time of variant classification. Additional details can be found in publication PMID: 35346344, PMCID: PMC8962531

Myriad Genetics, Inc.
Classification: Benign for Familial adenomatous polyposis 1. Last evaluated: 2023-02-15. Review status: criteria provided, single submitter. Criteria: Myriad Autosomal Dominant, Autosomal Recessive and X-Linked Classification Criteria (2023). Collection method: clinical testing. Allele origin: unknown.
Comment: This variant is considered benign. This variant is a silent/synonymous amino acid change and it is not expected to impact splicing.

Blueprint Genetics
Classification: Likely benign. Last evaluated: 2023-02-08. Review status: criteria provided, single submitter. Criteria: ACMG Guidelines, 2015. Collection method: clinical testing. Allele origin: germline.

Women's Health and Genetics/Laboratory Corporation of America, LabCorp
Classification: Likely benign. Last evaluated: 2020-09-28. Review status: criteria provided, single submitter. Criteria: LabCorp Variant Classification Summary - May 2015. Collection method: clinical testing. Allele origin: germline.

Quest Diagnostics Nichols Institute San Juan Capistrano
Classification: Benign. Last evaluated: 2018-02-22. Review status: criteria provided, single submitter. Criteria: Quest Diagnostics criteria. Collection method: clinical testing. Allele origin: germline.

Color Diagnostics, LLC DBA Color Health
Classification: Likely benign for Hereditary cancer-predisposing syndrome. Last evaluated: 2016-10-01. Review status: criteria provided, single submitter. Criteria: ACMG Guidelines, 2015. Collection method: clinical testing. Allele origin: germline.

Ambry Genetics
Classification: Likely benign for Hereditary cancer-predisposing syndrome. Last evaluated: 2015-06-26. Review status: criteria provided, single submitter. Criteria: Ambry Variant Classification Scheme 2023. Collection method: clinical testing. Allele origin: germline.

Counsyl
Classification: Likely benign for Familial adenomatous polyposis 1. Last evaluated: 2016-05-20. Review status: no assertion criteria provided. Collection method: clinical testing. Allele origin: unknown. Not counted in ClinVar's aggregate classification.

Department of Pathology and Laboratory Medicine, Sinai Health System
Classification: Likely benign for Familial adenomatous polyposis 1. Review status: no assertion criteria provided. Collection method: clinical testing. Allele origin: unknown. Affected: yes. Study: The Canadian Open Genetics Repository (COGR). Not counted in ClinVar's aggregate classification.
Comment: The p.Gly2775Gly variant is not expected to have clinical significance because it does not alter an amino acid residue and is not located near a splice junction. However, this variant has not been previously reported in the literature nor by our laboratory. In summary, based on the above information, the clinical significance of this variant cannot be determined with certainty at this time although we would lean towards a more benign role for this variant. This variant is classified as predicted benign.

NM_000038.6(APC):c.8325G>A (p.Gly2775=)

Gene: APC (APC regulator of Wnt signaling pathway; plus strand). Cytogenetic location: 5q22.2.
Variant type: single nucleotide variant.
Coding change: c.8325G>A on transcript NM_000038.6 (MANE Select); coding-DNA position 8325, G replaced by A.
Protein change: p.Gly2775=; no amino-acid change (glycine 2775 retained).
Molecular consequence: synonymous variant.
Genome position (GRCh38, 1-based): chr5:112,843,919, G>A. VCF-style: chr5-112843919-G-A. GRCh37 (hg19) VCF-style: chr5-112179616-G-A.
Other names: c.8325G>A, p.Gly2775= (NM_001127510.3, NM_001354895.2); c.8271G>A, p.Gly2757= (NM_001127511.3); c.8379G>A, p.Gly2793= (NM_001354896.2); c.8355G>A, p.Gly2785= (NM_001354897.2); c.8250G>A, p.Gly2750= (NM_001354898.2); c.8241G>A, p.Gly2747= (NM_001354899.2); c.8202G>A, p.Gly2734= (NM_001354900.2); c.8148G>A, p.Gly2716= (NM_001354901.2); and 5 more.
Identifiers: ClinVar variation 215573 (VCV000215573.28), dbSNP rs770719841, ClinGen allele CA050444.